The following is an entry in ClinVar:

ClinVar aggregate classification (germline): Likely benign (1 of 4 stars; one submission).

gnomAD v4.1: 1 of 1,610,332 alleles (0.000062%); highest among the groups gnomAD compares: East Asian, 0.0022%; no homozygotes.

Submission:

GeneDx
Classification: Likely benign. Last evaluated: 2016-10-20. Review status: criteria provided, single submitter. Criteria: GeneDx Variant Classification (06012015). Collection method: clinical testing. Allele origin: germline. Affected: yes.
Comment: This variant is considered likely benign or benign based on one or more of the following criteria: it is a conservative change, it occurs at a poorly conserved position in the protein, it is predicted to be benign by multiple in silico algorithms, and/or has population frequency not consistent with disease.

NM_001040716.2(PC):c.1603+4G>T

Gene: PC (pyruvate carboxylase; minus strand). Cytogenetic location: 11q13.2.
Variant type: single nucleotide variant.
Coding change: c.1603+4G>T on transcript NM_001040716.2 (MANE Select); 4 bases into the intron after coding-DNA position 1603, G replaced by T.
Molecular consequence: intron variant.
Genome position (GRCh38, 1-based): chr11:66,852,743, C>A on the plus strand (G>T on the coding strand, the complement: PC is on the minus strand). VCF-style: chr11-66852743-C-A. GRCh37 (hg19) VCF-style: chr11-66620214-C-A.
Other names: c.1603+4G>T (NM_000920.4, NM_022172.3).
Identifiers: ClinVar variation 390257 (VCV000390257.1), dbSNP rs923731755, ClinGen allele CA16606371.
Genomic context (GRCh38, chr11:66,852,743, plus strand): 5'-TGCCCATCCTGCAGGTGGCAACCTCCTGTCTCCCCCATGAGTTGACAGAATGGATCTCAC[C>A]TACCTATGGGCACTGCAGGGACAACGGGGTCCGTGGGGCTGGGGCTGGCCTTGACGGGAA-3'